The following is an entry in ClinVar:

ClinVar aggregate classification (germline): Uncertain significance (1 of 4 stars; one submission).

Conditions:
Hereditary sensory and autonomic neuropathy type 6. Also called: Neuropathy, hereditary sensory and autonomic, type VI; HSAN VI. Identifiers: Orphanet 314381, MedGen C3539003, MONDO:0013839, OMIM 614653.
Epidermolysis bullosa simplex 3, localized or generalized intermediate, with BP230 deficiency (EBS3). Also called: Epidermolysis bullosa simplex due to BP230 deficiency; Epidermolysis bullosa simplex, autosomal recessive 2. Identifiers: Orphanet 412181, MedGen C3809470, MONDO:0014180, OMIM 615425.

Allele frequency attached by ClinVar (database versions not stated): gnomAD 0.00001.
gnomAD v4.1: 1 of 1,613,758 alleles (0.000062%); highest among the groups gnomAD compares: African/African-American, 0.0013%; no homozygotes.

Submission:

Labcorp Genetics (formerly Invitae), Labcorp
Classification: Uncertain significance for Epidermolysis bullosa simplex 3, localized or generalized intermediate, with BP230 deficiency; Hereditary sensory and autonomic neuropathy type 6. Last evaluated: 2022-05-04. Review status: criteria provided, single submitter. Criteria: Invitae Variant Classification Sherloc (09022015). Collection method: clinical testing. Allele origin: germline.
Comment: This sequence change replaces proline, which is neutral and non-polar, with serine, which is neutral and polar, at codon 3554 of the DST protein (p.Pro3554Ser). In summary, the available evidence is currently insufficient to determine the role of this variant in disease. Therefore, it has been classified as a Variant of Uncertain Significance. Experimental studies and prediction algorithms are not available or were not evaluated, and the functional significance of this variant is currently unknown. This variant has not been reported in the literature in individuals affected with DST-related conditions. This variant is not present in population databases (gnomAD no frequency). The DST gene has multiple clinically relevant transcripts. This variant occurs in alternate transcript NM_015548.4, and corresponds to NM_001723.5:c.*100020C>T in the primary transcript.

NM_001374736.1(DST):c.18529C>T (p.Pro6177Ser)

Gene: DST (dystonin; minus strand). Cytogenetic location: 6p12.1.
Variant type: single nucleotide variant.
Coding change: c.18529C>T on transcript NM_001374736.1 (MANE Select); coding-DNA position 18529, C replaced by T.
Protein change: p.Pro6177Ser; replaces proline 6177 with serine.
Molecular consequence: missense variant.
Genome position (GRCh38, 1-based): chr6:56,515,497, G>A on the plus strand (C>T on the coding strand, the complement: DST is on the minus strand). VCF-style: chr6-56515497-G-A. GRCh37 (hg19) VCF-style: chr6-56380295-G-A.
Other names: c.12172C>T, p.Pro4058Ser (NM_001144769.5); c.11758C>T, p.Pro3920Ser (NM_001144770.2); c.18529C>T, p.Pro6177Ser (NM_001374722.1); c.17569C>T, p.Pro5857Ser (NM_001374729.1); c.11311C>T, p.Pro3771Ser (NM_001374730.1); c.18556C>T, p.Pro6186Ser (NM_001374734.1); c.11638C>T, p.Pro3880Ser (NM_001386100.1, NM_183380.4); c.10660C>T, p.Pro3554Ser (NM_015548.5); short protein forms P6177S, P6186S, P3880S, P4058S, P3554S, P3920S, P3771S, P5857S.
Identifiers: ClinVar variation 1947230 (VCV001947230.5), dbSNP rs2096570512, ClinGen allele CA364502877.